The following is an entry in ClinVar:

ClinVar aggregate classification (germline): Uncertain significance (1 of 4 stars; one submission).

gnomAD v4.1: 5 of 1,613,894 alleles (0.00031%); highest among the groups gnomAD compares: Non-Finnish European, 0.00042%; no homozygotes.

Submission:

Ambry Genetics
Classification: Uncertain significance. Last evaluated: 2024-11-22. Review status: criteria provided, single submitter. Criteria: Ambry Variant Classification Scheme 2023. Collection method: clinical testing. Allele origin: germline.
Comment: The p.T57A variant (also known as c.169A>G), located in coding exon 1 of the CDK12 gene, results from an A to G substitution at nucleotide position 169. The threonine at codon 57 is replaced by alanine, an amino acid with similar properties. This amino acid position is conserved. In addition, this alteration is predicted to be tolerated by in silico analysis. Based on the available evidence, the clinical significance of this variant remains unclear.

NM_016507.4(CDK12):c.169A>G (p.Thr57Ala)

Genes: CDK12 (cyclin dependent kinase 12; plus strand), LOC126862553 (CDK7 strongly-dependent group 2 enhancer GRCh37_chr17:37618166-37619365; plus strand). Cytogenetic location: 17q12.
Variant type: single nucleotide variant.
Coding change: c.169A>G on transcript NM_016507.4 (MANE Select); coding-DNA position 169, A replaced by G.
Protein change: p.Thr57Ala; replaces threonine 57 with alanine.
Molecular consequence: missense variant.
Genome position (GRCh38, 1-based): chr17:39,462,240, A>G. VCF-style: chr17-39462240-A-G. GRCh37 (hg19) VCF-style: chr17-37618493-A-G.
Other names: c.169A>G, p.Thr57Ala (NM_015083.4); short protein forms T57A.
Identifiers: ClinVar variation 3489244 (VCV003489244.1).
Genomic context (GRCh38, chr17:39,462,240, plus strand): 5'-CGCTTGGTATCGAAGCACAAGCGGCATAAGTCCAAACACTCCAAAGACATGGGGTTGGTG[A>G]CCCCCGAAGCAGCATCCCTGGGCACAGTTATCAAACCTTTGGTGGAGTATGATGATATCA-3'
Protein context (NP_057591.2, residues 47-67): SKHSKDMGLV[Thr57Ala]PEAASLGTVI